The following is an entry in ClinVar:

ClinVar aggregate classification (germline): Pathogenic (1 of 4 stars; one submission).

Conditions:
Ataxia-telangiectasia syndrome (AT). Also called: ATAXIA-TELANGIECTASIA, COMPLEMENTATION GROUP A; ATAXIA-TELANGIECTASIA, FRESNO VARIANT; Ataxia-telangiectasia; Ataxia-telangiectasia, complementation group D; Ataxia-telangiectasia, complementation group E; AT, COMPLEMENTATION GROUP C. Identifiers: Orphanet 100, MedGen C0004135, MONDO:0008840, OMIM 208900.

Submission:

Labcorp Genetics (formerly Invitae), Labcorp
Classification: Pathogenic for Ataxia-telangiectasia syndrome. Last evaluated: 2024-12-19. Review status: criteria provided, single submitter. Criteria: Invitae Variant Classification Sherloc (09022015). Collection method: clinical testing. Allele origin: germline.
Comment: This sequence change creates a premature translational stop signal (p.Leu663*) in the ATM gene. It is expected to result in an absent or disrupted protein product. Loss-of-function variants in ATM are known to be pathogenic (PMID: 23807571, 25614872). This variant is not present in population databases (gnomAD no frequency). This variant has not been reported in the literature in individuals affected with ATM-related conditions. For these reasons, this variant has been classified as Pathogenic.

Literature cited by the submitters: PubMed 23807571; PubMed 25614872.

NM_000051.4(ATM):c.1988T>A (p.Leu663Ter)

Gene: ATM (ATM serine/threonine kinase; plus strand). Cytogenetic location: 11q22.3.
Variant type: single nucleotide variant.
Coding change: c.1988T>A on transcript NM_000051.4 (MANE Select); coding-DNA position 1988, T replaced by A.
Protein change: p.Leu663Ter; replaces leucine 663 with a stop codon.
Molecular consequence: nonsense.
Genome position (GRCh38, 1-based): chr11:108,253,903, T>A. VCF-style: chr11-108253903-T-A. GRCh37 (hg19) VCF-style: chr11-108124630-T-A.
Other names: c.1988T>A, p.Leu663Ter (NM_001351834.2); short protein forms L663*.
Identifiers: ClinVar variation 3727656 (VCV003727656.2).